The following is an entry in ClinVar:

NM_004259.7(RECQL5):c.1150-7T>C

Gene: RECQL5 (RecQ like helicase 5; minus strand). Cytogenetic location: 17q25.1.
Variant type: single nucleotide variant.
Coding change: c.1150-7T>C on transcript NM_004259.7 (MANE Select); 7 bases into the intron before coding-DNA position 1150, T replaced by C.
Molecular consequence: intron variant.
Genome position (GRCh38, 1-based): chr17:75,651,272, A>G on the plus strand (T>C on the coding strand, the complement: RECQL5 is on the minus strand). VCF-style: chr17-75651272-A-G. GRCh37 (hg19) VCF-style: chr17-73647352-A-G.
Other names: c.1150-7T>C (NM_001003716.4, NM_001003715.4).
Identifiers: ClinVar variation 3046076 (VCV003046076.2), dbSNP rs745320012, ClinGen allele CA8767734.

ClinVar aggregate classification (germline): Likely benign (0 of 4 stars; one submission).

Conditions:
RECQL5-related disorder. Also called: RECQL5-related condition.

Allele frequency attached by ClinVar (database versions not stated): ExAC 0.00001; gnomAD exomes 0.00001; gnomAD 0.00002; TOPMed 0.00003.

Submission:

PreventionGenetics, part of Exact Sciences
Classification: Likely benign for RECQL5-related condition. Last evaluated: 2022-04-27. Review status: no assertion criteria provided. Collection method: clinical testing. Allele origin: germline.
Comment: This variant is classified as likely benign based on ACMG/AMP sequence variant interpretation guidelines (Richards et al. 2015 PMID: 25741868, with internal and published modifications).